The following is an entry in ClinVar:

ClinVar aggregate classification (germline): Uncertain significance (1 of 4 stars; one submission).

Allele frequency attached by ClinVar (database versions not stated): gnomAD exomes below 0.00001.
gnomAD v4.1: 1 of 1,609,216 alleles (0.000062%); highest among the groups gnomAD compares: Non-Finnish European, 0.000085%; no homozygotes.

Submission:

Labcorp Genetics (formerly Invitae), Labcorp
Classification: Uncertain significance. Last evaluated: 2022-10-20. Review status: criteria provided, single submitter. Criteria: Invitae Variant Classification Sherloc (09022015). Collection method: clinical testing. Allele origin: germline.
Comment: In summary, the available evidence is currently insufficient to determine the role of this variant in disease. Therefore, it has been classified as a Variant of Uncertain Significance. Variants that disrupt the consensus splice site are a relatively common cause of aberrant splicing (PMID: 17576681, 9536098). Experimental studies and prediction algorithms are not available or were not evaluated, and the effect of this variant on mRNA splicing is currently unknown. This variant has not been reported in the literature in individuals affected with IKZF1-related conditions. This variant is not present in population databases (gnomAD no frequency). This sequence change falls in intron 3 of the IKZF1 gene. It does not directly change the encoded amino acid sequence of the IKZF1 protein. It affects a nucleotide within the consensus splice site.

Literature cited by the submitters: PubMed 17576681; PubMed 9536098.

NM_006060.6(IKZF1):c.160+4A>C

Gene: IKZF1 (IKAROS family zinc finger 1; plus strand). Cytogenetic location: 7p12.2.
Variant type: single nucleotide variant.
Coding change: c.160+4A>C on transcript NM_006060.6 (MANE Select); 4 bases into the intron after coding-DNA position 160, A replaced by C.
Molecular consequence: intron variant.
Genome position (GRCh38, 1-based): chr7:50,327,761, A>C. VCF-style: chr7-50327761-A-C. GRCh37 (hg19) VCF-style: chr7-50367357-A-C.
Other names: c.160+4A>C (NM_001410879.1, NM_001291839.2, NM_001220765.3 and 14 more transcripts).
Identifiers: ClinVar variation 2036259 (VCV002036259.4), dbSNP rs1177415232, ClinGen allele CA2580077221.